The following is an entry in ClinVar:

NM_001943.5(DSG2):c.1916del (p.Lys639fs)

Gene: DSG2 (desmoglein 2; plus strand). Cytogenetic location: 18q12.1.
Variant type: Deletion.
Coding change: c.1916del on transcript NM_001943.5 (MANE Select); coding-DNA position 1916, one base deleted (A; older notation c.1916delA).
Protein change: p.Lys639fs; shifts the reading frame from lysine 639.
Molecular consequence: frameshift variant.
Genome position (GRCh38, 1-based): chr18:31,541,229, A deleted; the last of 3 consecutive A bases (chr18:31,541,227-31,541,229); deleting any one gives the same sequence. VCF-style (leftmost placement, unchanged base first): chr18-31541226-GA-G. GRCh37 (hg19) VCF-style: chr18-29121189-GA-G.
Other names: short protein forms K639fs.
Identifiers: ClinVar variation 2775232 (VCV002775232.2), dbSNP rs2510919964, ClinGen allele CA2697555371.

ClinVar aggregate classification (germline): Uncertain significance (1 of 4 stars; one submission).

Conditions:
Cardiomyopathy (CMYO). Also called: Cardiomyopathies. Identifiers: Orphanet 167848, MedGen C0878544, MONDO:0004994, HP:0001638. Inheritance: Various modes of inheritance.

Submission:

Color Diagnostics, LLC DBA Color Health
Classification: Uncertain significance for Cardiomyopathy. Last evaluated: 2022-05-31. Review status: criteria provided, single submitter. Criteria: ACMG Guidelines, 2015. Collection method: clinical testing. Allele origin: germline.
Comment: This variant deletes 1 nucleotide in exon 13 of the DSG2 gene, creating a frameshift and premature translation stop signal. This variant is expected to result in an absent or non-functional protein product. To our knowledge, this variant has not been reported in individuals affected with cardiovascular disorders in the literature. This variant has not been identified in the general population by the Genome Aggregation Database (gnomAD). Although there is a suspicion for a pathogenic role, clinical relevance of loss-of-function DSG2 truncation and splice variants in autosomal dominant arrhythmogenic cardiomyopathy is not yet clearly established. The available evidence is insufficient to determine the role of this variant in autosomal dominant arrhythmogenic cardiomyopathy conclusively. Therefore, this variant is classified as a Variant of Uncertain Significance.